The following is an entry in ClinVar:

ClinVar aggregate classification (germline): Uncertain significance (1 of 4 stars; one submission).

Submission:

GeneDx
Classification: Uncertain significance. Last evaluated: 2025-07-15. Review status: criteria provided, single submitter. Criteria: GeneDx Variant Classification Process June 2021. Collection method: clinical testing. Allele origin: germline. Affected: yes.
Comment: Not observed at significant frequency in large population cohorts (gnomAD); In silico analysis supports that this missense variant has a deleterious effect on protein structure/function; Has not been previously published as pathogenic or benign to our knowledge

NM_005219.5(DIAPH1):c.3410A>G (p.Asp1137Gly)

Gene: DIAPH1 (diaphanous related formin 1; minus strand). Cytogenetic location: 5q31.3.
Variant type: single nucleotide variant.
Coding change: c.3410A>G on transcript NM_005219.5 (MANE Select); coding-DNA position 3410, A replaced by G.
Protein change: p.Asp1137Gly; replaces aspartic acid 1137 with glycine.
Molecular consequence: missense variant.
Genome position (GRCh38, 1-based): chr5:141,526,325, T>C on the plus strand (A>G on the coding strand, the complement: DIAPH1 is on the minus strand). VCF-style: chr5-141526325-T-C. GRCh37 (hg19) VCF-style: chr5-140905892-T-C.
Other names: c.3383A>G, p.Asp1128Gly (NM_001079812.3); c.3410A>G, p.Asp1137Gly (NM_001314007.2); short protein forms D1128G, D1137G.
Identifiers: ClinVar variation 4686326 (VCV004686326.1).